The following is an entry in ClinVar:

ClinVar aggregate classification (germline): Conflicting classifications of pathogenicity. Review status: criteria provided, conflicting classifications (1 of 4 stars). 2 submissions from 2 submitters: Likely pathogenic (1); Uncertain significance (1). Last evaluated 2026-01-23.

Conditions:
Alagille syndrome due to a NOTCH2 point mutation. Also called: Alagille syndrome 2. Identifiers: Orphanet 261629, Orphanet 52, MedGen C1857761, MONDO:0012439, OMIM 610205.

Submissions (2):

Variantyx, Inc.
Classification: Likely pathogenic for Alagille syndrome due to a NOTCH2 point mutation. Last evaluated: 2026-01-23. Review status: criteria provided, single submitter. Criteria: Variantyx Assertion Criteria 2022. Collection method: clinical testing. Allele origin: germline. Inheritance: Autosomal dominant inheritance. Affected: yes.
Comment: This is a nonsynonymous variant in the NOTCH2 gene (OMIM: 600275). Pathogenic variants in this gene have been associated with autosomal dominant Alagille syndrome 2. It has been reported in at least 2 unrelated affected individuals (PMID: 34332988, 22209762) (PS4_Moderate). Computational algorithms produce conflicting evidence regarding the predicted functional impact of this variant (REVEL score: 0.503) but functional studies have shown that this variant alters NOTCH2 protein function (PMID: 30304577, 22209762) (PS3), and an alternate amino acid change at this position (p.Arg1953His) has been reported in affected individuals; however, its pathogenicity has not been established (PMID:22209762). This variant is absent from control populations (PM2). Based on the current evidence, this variant is classified as likely pathogenic for autosomal dominant Alagille syndrome 2.

Eurofins Ntd Llc (ga)
Classification: Uncertain significance. Last evaluated: 2017-02-27. Review status: criteria provided, single submitter. Criteria: EGL Classification Definitions 2015. Collection method: clinical testing. Allele origin: germline. Observed: 1 variant allele, 1 heterozygote.

Literature cited by the submitters: PubMed 30304577 (cited by Variantyx, Inc.); PubMed 34332988 (cited by Variantyx, Inc.); PubMed 22209762 (cited by Variantyx, Inc. and Eurofins Ntd Llc (ga)).

NM_024408.4(NOTCH2):c.5857C>T (p.Arg1953Cys)

Gene: NOTCH2 (notch receptor 2; minus strand). Cytogenetic location: 1p12.
Variant type: single nucleotide variant.
Coding change: c.5857C>T on transcript NM_024408.4 (MANE Select); coding-DNA position 5857, C replaced by T.
Protein change: p.Arg1953Cys; replaces arginine 1953 with cysteine.
Molecular consequence: missense variant.
Genome position (GRCh38, 1-based): chr1:119,918,478, G>A on the plus strand (C>T on the coding strand, the complement: NOTCH2 is on the minus strand). VCF-style: chr1-119918478-G-A. GRCh37 (hg19) VCF-style: chr1-120461101-G-A.
Other names: short protein forms R1953C.
Identifiers: ClinVar variation 41263 (VCV000041263.5), dbSNP rs312262796, ClinGen allele CA344285.